The following is an entry in ClinVar:

ClinVar aggregate classification (germline): Uncertain significance (1 of 4 stars; one submission).

Conditions:
Baller-Gerold syndrome (BGS). Also called: CRANIOSYNOSTOSIS WITH RADIAL DEFECTS. Identifiers: Orphanet 1225, MedGen C0265308, MONDO:0009039, OMIM 218600.

Submission:

Labcorp Genetics (formerly Invitae), Labcorp
Classification: Uncertain significance for Baller-Gerold syndrome. Last evaluated: 2023-12-11. Review status: criteria provided, single submitter. Criteria: Invitae Variant Classification Sherloc (09022015). Collection method: clinical testing. Allele origin: germline.
Comment: This sequence change replaces aspartic acid, which is acidic and polar, with histidine, which is basic and polar, at codon 1049 of the RECQL4 protein (p.Asp1049His). This variant is present in population databases (no rsID available, gnomAD 0.006%). This variant has not been reported in the literature in individuals affected with RECQL4-related conditions. ClinVar contains an entry for this variant (Variation ID: 1408982). Advanced modeling of protein sequence and biophysical properties (such as structural, functional, and spatial information, amino acid conservation, physicochemical variation, residue mobility, and thermodynamic stability) performed at Invitae indicates that this missense variant is expected to disrupt RECQL4 protein function with a positive predictive value of 80%. In summary, the available evidence is currently insufficient to determine the role of this variant in disease. Therefore, it has been classified as a Variant of Uncertain Significance.

NM_004260.4(RECQL4):c.3145G>C (p.Asp1049His)

Gene: RECQL4 (RecQ like helicase 4; minus strand). Cytogenetic location: 8q24.3.
Variant type: single nucleotide variant.
Coding change: c.3145G>C on transcript NM_004260.4 (MANE Select); coding-DNA position 3145, G replaced by C.
Protein change: p.Asp1049His; replaces aspartic acid 1049 with histidine.
Molecular consequence: missense variant.
Genome position (GRCh38, 1-based): chr8:144,512,235, C>G on the plus strand (G>C on the coding strand, the complement: RECQL4 is on the minus strand). VCF-style: chr8-144512235-C-G. GRCh37 (hg19) VCF-style: chr8-145737618-C-G.
Other names: short protein forms D1049H.
Identifiers: ClinVar variation 1408982 (VCV001408982.6), dbSNP rs1176326208, ClinGen allele CA4947911.